The following is an entry in ClinVar:

ClinVar aggregate classification (germline): Likely benign. Review status: criteria provided, multiple submitters, no conflicts (2 of 4 stars). 4 submissions from 4 submitters: Likely benign (2). 2 of the submissions do not count toward it. Last evaluated 2024-10-15.

Conditions:
Cohen syndrome (COH1). Also called: Cutis verticis gyrata, retinitis pigmentosa, and sensorineural deafness; PEPPER SYNDROME. Identifiers: Orphanet 193, MedGen C0265223, MONDO:0008999, OMIM 216550.
VPS13B-related disorder. Also called: VPS13B-related condition.

Allele frequency attached by ClinVar (database versions not stated): gnomAD 0.00001; TOPMed 0.00002.
gnomAD v4.1: 24 of 1,612,188 alleles (0.0015%); highest among the groups gnomAD compares: Middle Eastern, 0.033%; no homozygotes.

Submissions (4):

Blueprint Genetics
Classification: Likely benign. Last evaluated: 2024-10-15. Review status: criteria provided, single submitter. Criteria: ACMG Guidelines, 2015. Collection method: clinical testing. Allele origin: germline.

Labcorp Genetics (formerly Invitae), Labcorp
Classification: Likely benign for Cohen syndrome. Last evaluated: 2024-08-05. Review status: criteria provided, single submitter. Criteria: Invitae Variant Classification Sherloc (09022015). Collection method: clinical testing. Allele origin: germline.

PreventionGenetics, part of Exact Sciences
Classification: Likely benign for VPS13B-related condition. Last evaluated: 2024-09-16. Review status: no assertion criteria provided. Collection method: clinical testing. Allele origin: germline. Not counted in ClinVar's aggregate classification.
Comment: This variant is classified as likely benign based on ACMG/AMP sequence variant interpretation guidelines (Richards et al. 2015 PMID: 25741868, with internal and published modifications).

Natera, Inc.
Classification: Uncertain significance for Cohen syndrome. Last evaluated: 2020-08-14. Review status: no assertion criteria provided. Collection method: clinical testing. Allele origin: germline. Not counted in ClinVar's aggregate classification.

NM_152564.5(VPS13B):c.207A>T (p.Val69=)

Gene: VPS13B (vacuolar protein sorting 13 homolog B; plus strand). Cytogenetic location: 8q22.2.
Variant type: single nucleotide variant.
Coding change: c.207A>T on transcript NM_152564.5 (MANE Select); coding-DNA position 207, A replaced by T.
Protein change: p.Val69=; no amino-acid change (valine 69 retained).
Molecular consequence: synonymous variant. On other transcripts: non-coding transcript variant (1).
Genome position (GRCh38, 1-based): chr8:99,038,482, A>T. VCF-style: chr8-99038482-A-T. GRCh37 (hg19) VCF-style: chr8-100050710-A-T.
Other names: c.207A>T, p.Val69= (NM_015243.3, NM_017890.5, NM_181661.3); c.207A>T (NM_152564.4).
Identifiers: ClinVar variation 750425 (VCV000750425.12), dbSNP rs772922484, ClinGen allele CA4822307.